The following is an entry in ClinVar:

NM_020999.4(NEUROG3):c.496C>T (p.Pro166Ser)

Gene: NEUROG3 (neurogenin 3; minus strand). Cytogenetic location: 10q22.1.
Variant type: single nucleotide variant.
Coding change: c.496C>T on transcript NM_020999.4 (MANE Select); coding-DNA position 496, C replaced by T.
Protein change: p.Pro166Ser; replaces proline 166 with serine.
Molecular consequence: missense variant.
Genome position (GRCh38, 1-based): chr10:69,572,548, G>A on the plus strand (C>T on the coding strand, the complement: NEUROG3 is on the minus strand). VCF-style: chr10-69572548-G-A. GRCh37 (hg19) VCF-style: chr10-71332304-G-A.
Other names: short protein forms P166S.
Identifiers: ClinVar variation 1484557 (VCV001484557.8), dbSNP rs776590305, ClinGen allele CA5533687.

ClinVar aggregate classification (germline): Uncertain significance (1 of 4 stars; one submission).

Allele frequency attached by ClinVar (database versions not stated): ExAC 0.00001; gnomAD 0.00001; gnomAD exomes 0.00001; TOPMed 0.00001.

Submission:

Labcorp Genetics (formerly Invitae), Labcorp
Classification: Uncertain significance. Last evaluated: 2022-05-29. Review status: criteria provided, single submitter. Criteria: Invitae Variant Classification Sherloc (09022015). Collection method: clinical testing. Allele origin: germline.
Comment: This sequence change replaces proline, which is neutral and non-polar, with serine, which is neutral and polar, at codon 166 of the NEUROG3 protein (p.Pro166Ser). The frequency data for this variant in the population databases is considered unreliable, as metrics indicate poor data quality at this position in the gnomAD database. This variant has not been reported in the literature in individuals affected with NEUROG3-related conditions. ClinVar contains an entry for this variant (Variation ID: 1484557). Algorithms developed to predict the effect of missense changes on protein structure and function output the following: SIFT: "Tolerated"; PolyPhen-2: "Benign"; Align-GVGD: "Class C0". The serine amino acid residue is found in multiple mammalian species, which suggests that this missense change does not adversely affect protein function. In summary, the available evidence is currently insufficient to determine the role of this variant in disease. Therefore, it has been classified as a Variant of Uncertain Significance.